The following is an entry in ClinVar:

NM_005546.4(ITK):c.782C>G (p.Ala261Gly)

Gene: ITK (IL2 inducible T cell kinase; plus strand). Cytogenetic location: 5q33.3.
Variant type: single nucleotide variant.
Coding change: c.782C>G on transcript NM_005546.4 (MANE Select); coding-DNA position 782, C replaced by G.
Protein change: p.Ala261Gly; replaces alanine 261 with glycine.
Molecular consequence: missense variant.
Genome position (GRCh38, 1-based): chr5:157,238,122, C>G. VCF-style: chr5-157238122-C-G. GRCh37 (hg19) VCF-style: chr5-156665132-C-G.
Other names: short protein forms A261G.
Identifiers: ClinVar variation 1435124 (VCV001435124.8), dbSNP rs767455537, ClinGen allele CA3532900.

ClinVar aggregate classification (germline): Uncertain significance (1 of 4 stars; one submission).

Conditions:
Lymphoproliferative syndrome 1 (LPFS1). Identifiers: Orphanet 238505, Orphanet 538963, MedGen C3552634, MONDO:0013081, OMIM 613011.

Allele frequency attached by ClinVar (database versions not stated): gnomAD exomes below 0.00001; ExAC 0.00001.

Submission:

Labcorp Genetics (formerly Invitae), Labcorp
Classification: Uncertain significance for Lymphoproliferative syndrome 1. Last evaluated: 2025-07-07. Review status: criteria provided, single submitter. Criteria: Invitae Variant Classification Sherloc (09022015). Collection method: clinical testing. Allele origin: germline.
Comment: This sequence change replaces alanine, which is neutral and non-polar, with glycine, which is neutral and non-polar, at codon 261 of the ITK protein (p.Ala261Gly). This variant is present in population databases (rs767455537, gnomAD 0.003%). This variant has not been reported in the literature in individuals affected with ITK-related conditions. ClinVar contains an entry for this variant (Variation ID: 1435124). Invitae Evidence Modeling of protein sequence and biophysical properties (such as structural, functional, and spatial information, amino acid conservation, physicochemical variation, residue mobility, and thermodynamic stability) indicates that this missense variant is not expected to disrupt ITK protein function with a negative predictive value of 95%. In summary, the available evidence is currently insufficient to determine the role of this variant in disease. Therefore, it has been classified as a Variant of Uncertain Significance.